The following is an entry in ClinVar:

ClinVar aggregate classification (germline): Benign. Review status: criteria provided, multiple submitters, no conflicts (2 of 4 stars). 3 submissions from 3 submitters: Benign (2). 1 of the submissions does not count toward it. Last evaluated 2019-12-31.

Conditions:
KDM5A-related disorder. Also called: KDM5A-related condition.

Allele frequency attached by ClinVar (database versions not stated): gnomAD exomes 0.00171; ExAC 0.00195; ESP Exome Variant Server 0.00574; gnomAD 0.00666 and 0.00715; TOPMed 0.00794; 1000 Genomes Project 0.00799; 1000 Genomes Project 30x 0.00859.
gnomAD v4.1: 2,009 of 1,614,120 alleles (0.12%); highest among the groups gnomAD compares: African/African-American, 2.4%; 28 homozygotes.

Submissions (3):

Labcorp Genetics (formerly Invitae), Labcorp
Classification: Benign. Last evaluated: 2019-12-31. Review status: criteria provided, single submitter. Criteria: Invitae Variant Classification Sherloc (09022015). Collection method: clinical testing. Allele origin: germline.

Breakthrough Genomics
Classification: Benign. Review status: criteria provided, single submitter. Criteria: ACMG Guidelines, 2015. Collection method: not provided. Allele origin: germline. Inheritance: Unknown mechanism. Affected: yes.

PreventionGenetics, part of Exact Sciences
Classification: Benign for KDM5A-related condition. Last evaluated: 2019-06-06. Review status: no assertion criteria provided. Collection method: clinical testing. Allele origin: germline. Not counted in ClinVar's aggregate classification.
Comment: This variant is classified as benign based on ACMG/AMP sequence variant interpretation guidelines (Richards et al. 2015 PMID: 25741868, with internal and published modifications).

NM_001042603.3(KDM5A):c.4336G>C (p.Glu1446Gln)

Gene: KDM5A (lysine demethylase 5A; minus strand). Cytogenetic location: 12p13.33.
Variant type: single nucleotide variant.
Coding change: c.4336G>C on transcript NM_001042603.3 (MANE Select); coding-DNA position 4336, G replaced by C.
Protein change: p.Glu1446Gln; replaces glutamic acid 1446 with glutamine.
Molecular consequence: missense variant.
Genome position (GRCh38, 1-based): chr12:295,692, C>G on the plus strand (G>C on the coding strand, the complement: KDM5A is on the minus strand). VCF-style: chr12-295692-C-G. GRCh37 (hg19) VCF-style: chr12-404858-C-G.
Other names: short protein forms E1446Q.
Identifiers: ClinVar variation 776683 (VCV000776683.7), dbSNP rs112579803, ClinGen allele CA6378583.